The following is an entry in ClinVar:

NM_033026.6(PCLO):c.14042G>C (p.Ser4681Thr)

Gene: PCLO (piccolo presynaptic cytomatrix protein; minus strand). Cytogenetic location: 7q21.11.
Variant type: single nucleotide variant.
Coding change: c.14042G>C on transcript NM_033026.6 (MANE Select); coding-DNA position 14042, G replaced by C.
Protein change: p.Ser4681Thr; replaces serine 4681 with threonine.
Molecular consequence: missense variant.
Genome position (GRCh38, 1-based): chr7:82,845,275, C>G on the plus strand (G>C on the coding strand, the complement: PCLO is on the minus strand). VCF-style: chr7-82845275-C-G. GRCh37 (hg19) VCF-style: chr7-82474591-C-G.
Other names: c.14042G>C, p.Ser4681Thr (NM_014510.3); c.14042G>C (NM_033026.5); short protein forms S4681T.
Identifiers: ClinVar variation 1389790 (VCV001389790.4), dbSNP rs750598082, ClinGen allele CA4318963.
Genomic context (GRCh38, chr7:82,845,275, plus strand): 5'-TGCTGAATAAAGAGCTAGAAAACAAGTGGGTCAGAGGTCACATCAACAATCCTCACCTTG[C>G]TGCTGCCGTGCTTCTTTTTGCTCACTGAGGGGGACCCTGGTTGCCCAGGGCTGGGAACGG-3'
Protein context (NP_149015.2, residues 4671-4691): PSVSKKKHGS[Ser4681Thr]KPTDGTKVVS

ClinVar aggregate classification (germline): Uncertain significance. Review status: criteria provided, multiple submitters, no conflicts (2 of 4 stars). 2 submissions from 2 submitters: Uncertain significance (2). Last evaluated 2023-02-28.

Conditions:
Inborn genetic diseases. Identifiers: MedGen C0950123, MeSH D030342.

Allele frequency attached by ClinVar (database versions not stated): gnomAD 0.00001; TOPMed 0.00003; ExAC 0.00009; gnomAD exomes 0.00016.
gnomAD v4.1: 41 of 1,612,366 alleles (0.0025%); highest among the groups gnomAD compares: Admixed American, 0.067%; no homozygotes.

Submissions (2):

Ambry Genetics
Classification: Uncertain significance for Inborn genetic diseases. Last evaluated: 2023-02-28. Review status: criteria provided, single submitter. Criteria: Ambry Variant Classification Scheme 2023. Collection method: clinical testing. Allele origin: germline.

Labcorp Genetics (formerly Invitae), Labcorp
Classification: Uncertain significance. Last evaluated: 2022-10-26. Review status: criteria provided, single submitter. Criteria: Invitae Variant Classification Sherloc (09022015). Collection method: clinical testing. Allele origin: germline.
Comment: This sequence change replaces serine, which is neutral and polar, with threonine, which is neutral and polar, at codon 4681 of the PCLO protein (p.Ser4681Thr). This variant is present in population databases (rs750598082, gnomAD 0.1%). This variant has not been reported in the literature in individuals affected with PCLO-related conditions. ClinVar contains an entry for this variant (Variation ID: 1389790). Algorithms developed to predict the effect of missense changes on protein structure and function are either unavailable or do not agree on the potential impact of this missense change (SIFT: "Tolerated"; PolyPhen-2: "Not Available"; Align-GVGD: "Class C0"). In summary, the available evidence is currently insufficient to determine the role of this variant in disease. Therefore, it has been classified as a Variant of Uncertain Significance.